The following is an entry in ClinVar:

NM_005592.4(MUSK):c.2358G>A (p.Trp786Ter)

Gene: MUSK (muscle associated receptor tyrosine kinase; plus strand). Cytogenetic location: 9q31.3.
Variant type: single nucleotide variant.
Coding change: c.2358G>A on transcript NM_005592.4 (MANE Select); coding-DNA position 2358, G replaced by A.
Protein change: p.Trp786Ter; replaces tryptophan 786 with a stop codon.
Molecular consequence: nonsense.
Genome position (GRCh38, 1-based): chr9:110,800,736, G>A. VCF-style: chr9-110800736-G-A. GRCh37 (hg19) VCF-style: chr9-113563016-G-A.
Other names: c.2100G>A, p.Trp700Ter (NM_001166280.2); c.2070G>A, p.Trp690Ter (NM_001166281.2); c.1098G>A, p.Trp366Ter (NM_001369398.1); short protein forms W366*, W690*, W700*, W786*.
Identifiers: ClinVar variation 2139033 (VCV002139033.4), dbSNP rs867146882, ClinGen allele CA374479440.

ClinVar aggregate classification (germline): Pathogenic (1 of 4 stars; one submission).

Conditions:
Congenital myasthenic syndrome 9. Also called: Myasthenic syndrome, congenital, 9, associated with acetylcholine receptor deficiency. Identifiers: Orphanet 590, MedGen C4225368, MONDO:0014587, OMIM 616325.
Fetal akinesia deformation sequence 1 (FADS1). Also called: Fetal akinesia sequence; Pena-Shokeir syndrome type I. Identifiers: Orphanet 994, MedGen C1276035, MONDO:0100101, OMIM 208150, HP:0001989.

Allele frequency attached by ClinVar (database versions not stated): TOPMed 0.00001; gnomAD 0.00002.

Submission:

Labcorp Genetics (formerly Invitae), Labcorp
Classification: Pathogenic for Congenital myasthenic syndrome 9; Fetal akinesia deformation sequence 1. Last evaluated: 2025-06-27. Review status: criteria provided, single submitter. Criteria: Invitae Variant Classification Sherloc (09022015). Collection method: clinical testing. Allele origin: germline.
Comment: This sequence change creates a premature translational stop signal (p.Trp786*) in the MUSK gene. While this is not anticipated to result in nonsense mediated decay, it is expected to disrupt the last 84 amino acid(s) of the MUSK protein. This variant is not present in population databases (gnomAD no frequency). This premature translational stop signal has been observed in individual(s) with clinical features of fetal akinesia deformation sequence (PMID: 32732226). ClinVar contains an entry for this variant (Variation ID: 2139033). This variant disrupts a region of the MUSK protein in which other variant(s) (p.Leu821Phe) have been determined to be pathogenic (internal data). This suggests that this is a clinically significant region of the protein, and that variants that disrupt it are likely to be disease-causing. For these reasons, this variant has been classified as Pathogenic.

Literature cited by the submitters: PubMed 32732226.